The following is an entry in ClinVar:

NM_006946.4(SPTBN2):c.1513C>T (p.Arg505Trp)

Gene: SPTBN2 (spectrin beta, non-erythrocytic 2; minus strand). Cytogenetic location: 11q13.2.
Variant type: single nucleotide variant.
Coding change: c.1513C>T on transcript NM_006946.4 (MANE Select); coding-DNA position 1513, C replaced by T.
Protein change: p.Arg505Trp; replaces arginine 505 with tryptophan.
Molecular consequence: missense variant.
Genome position (GRCh38, 1-based): chr11:66,707,656, G>A on the plus strand (C>T on the coding strand, the complement: SPTBN2 is on the minus strand). VCF-style: chr11-66707656-G-A. GRCh37 (hg19) VCF-style: chr11-66475127-G-A.
Other names: short protein forms R505W.
Identifiers: ClinVar variation 1470580 (VCV001470580.8), dbSNP rs1474518395, ClinGen allele CA381480428.

ClinVar aggregate classification (germline): Uncertain significance (1 of 4 stars; one submission).

gnomAD v4.1: 6 of 1,608,036 alleles (0.00037%); highest among the groups gnomAD compares: East Asian, 0.0022%; no homozygotes.

Submission:

Labcorp Genetics (formerly Invitae), Labcorp
Classification: Uncertain significance. Last evaluated: 2021-05-03. Review status: criteria provided, single submitter. Criteria: Invitae Variant Classification Sherloc (09022015). Collection method: clinical testing. Allele origin: germline.
Comment: In summary, the available evidence is currently insufficient to determine the role of this variant in disease. Therefore, it has been classified as a Variant of Uncertain Significance. Algorithms developed to predict the effect of missense changes on protein structure and function are either unavailable or do not agree on the potential impact of this missense change (SIFT: "Deleterious"; PolyPhen-2: "Probably Damaging"; Align-GVGD: "Class C0"). This variant has not been reported in the literature in individuals with SPTBN2-related conditions. This variant is not present in population databases (ExAC no frequency). This sequence change replaces arginine with tryptophan at codon 505 of the SPTBN2 protein (p.Arg505Trp). The arginine residue is highly conserved and there is a moderate physicochemical difference between arginine and tryptophan.